The following is an entry in ClinVar:

NM_000388.4(CASR):c.968A>C (p.Lys323Thr)

Gene: CASR (calcium sensing receptor; plus strand). Cytogenetic location: 3q21.1.
Variant type: single nucleotide variant.
Coding change: c.968A>C on transcript NM_000388.4 (MANE Select); coding-DNA position 968, A replaced by C.
Protein change: p.Lys323Thr; replaces lysine 323 with threonine.
Molecular consequence: missense variant.
Genome position (GRCh38, 1-based): chr3:122,262,003, A>C. VCF-style: chr3-122262003-A-C. GRCh37 (hg19) VCF-style: chr3-121980850-A-C.
Other names: c.968A>C (NM_000388.3); c.968A>C, p.Lys323Thr (NM_001178065.2); short protein forms K323T.
Identifiers: ClinVar variation 1361222 (VCV001361222.9), dbSNP rs1382062409, ClinGen allele CA354151845.

ClinVar aggregate classification (germline): Uncertain significance. Review status: criteria provided, multiple submitters, no conflicts (2 of 4 stars). 2 submissions from 2 submitters: Uncertain significance (2). Last evaluated 2023-10-22.

Conditions:
Nephrolithiasis/nephrocalcinosis. Identifiers: MedGen CN580796.
Familial hypocalciuric hypercalcemia (FHH). Also called: Familial benign hypercalcemia. Identifiers: Orphanet 405, MedGen C1809471, MONDO:0018458.
Autosomal dominant hypocalcemia 1 (HYPOC1). Also called: HYPOCALCEMIA, FAMILIAL. Identifiers: MedGen C3715128, MONDO:0011013, OMIM 601198.

Allele frequency attached by ClinVar (database versions not stated): TOPMed below 0.00001.

Submissions (2):

Labcorp Genetics (formerly Invitae), Labcorp
Classification: Uncertain significance for Familial hypocalciuric hypercalcemia; Autosomal dominant hypocalcemia 1. Last evaluated: 2023-10-22. Review status: criteria provided, single submitter. Criteria: Invitae Variant Classification Sherloc (09022015). Collection method: clinical testing. Allele origin: germline.
Comment: This sequence change replaces lysine, which is basic and polar, with threonine, which is neutral and polar, at codon 323 of the CASR protein (p.Lys323Thr). This variant is not present in population databases (gnomAD no frequency). This variant has not been reported in the literature in individuals affected with CASR-related conditions. ClinVar contains an entry for this variant (Variation ID: 1361222). An algorithm developed to predict the effect of missense changes on protein structure and function (PolyPhen-2) suggests that this variant is likely to be tolerated. In summary, the available evidence is currently insufficient to determine the role of this variant in disease. Therefore, it has been classified as a Variant of Uncertain Significance.

Ambry Genetics
Classification: Uncertain significance for Nephrolithiasis/nephrocalcinosis. Last evaluated: 2023-05-14. Review status: criteria provided, single submitter. Criteria: Ambry Variant Classification Scheme 2023. Collection method: clinical testing. Allele origin: germline.
Comment: The p.K323T variant (also known as c.968A>C), located in coding exon 3 of the CASR gene, results from an A to C substitution at nucleotide position 968. The lysine at codon 323 is replaced by threonine, an amino acid with similar properties. This amino acid position is conserved. In addition, the in silico prediction for this alteration is inconclusive. Since supporting evidence is limited at this time, the clinical significance of this alteration remains unclear.